The following is an entry in ClinVar:

ClinVar aggregate classification (germline): Pathogenic (1 of 4 stars; one submission).

Conditions:
Mucopolysaccharidosis, MPS-II (MPS2). Also called: Hunter Syndrome; IDURONATE 2-SULFATASE DEFICIENCY; Mucopolysaccharidosis Type II; Mucopolysaccharidosis type 2; Attenuated MPS (subtype; formerly known as mild MPS II); Severe MPS II. Identifiers: Orphanet 580, Orphanet 79388, MedGen C0026705, MONDO:0010674, OMIM 309900.

Submission:

Laboratory of Diagnosis and Therapy of Lysosomal Disorders, University of Padova
Classification: Pathogenic for Mucopolysaccharidosis, MPS-II. Last evaluated: 2024-06-07. Review status: criteria provided, single submitter. Criteria: ACMG Guidelines, 2015. Collection method: literature only. Allele origin: germline. Affected: yes. Observed: 1 variant allele.
Comment: Null variant (PVS1_VeryStrong), Absent from controls (or at low frequency) in gnomAD database (PM2_Moderate), Patient’s phenotype or family history highly specific for the disease (PP4_Strong)

Classification method: ACMG Guidelines [PMID:25741868] with modifications

Literature cited by the submitters: PubMed 22976768.

NM_000202.8(IDS):c.976_979dup (p.Thr327fs)

Genes: IDS (iduronate 2-sulfatase; minus strand), LOC106050102 (IDS recombination region; plus strand). Cytogenetic location: Xq28.
Variant type: Duplication.
Coding change: c.976_979dup on transcript NM_000202.8 (MANE Select); coding-DNA positions 976 to 979, 4 bases duplicated (AGCA; older notation c.976_979dupAGCA).
Protein change: p.Thr327fs; shifts the reading frame from threonine 327.
Molecular consequence: frameshift variant. On other transcripts: non-coding transcript variant (1).
Genome position (GRCh38, 1-based): chrX:149,490,341-149,490,344, TGCT duplicated on the plus strand (AGCA on the coding strand, the reverse complement: IDS is on the minus strand). VCF-style (leftmost placement, unchanged base first): chrX-149490340-G-GTGCT. GRCh37 (hg19) VCF-style: chrX-148571871-G-GTGCT.
Other names: c.706_709dup, p.Thr237fs (NM_001166550.4); c.976_979dup, p.Thr327fs (NM_006123.5); short protein forms T237fs, T327fs.
Identifiers: ClinVar variation 3255894 (VCV003255894.2).